The following is an entry in ClinVar:

ClinVar aggregate classification (germline): Uncertain significance (1 of 4 stars; one submission).

Conditions:
Aicardi-Goutieres syndrome 5. Identifiers: Orphanet 51, MedGen C2749659, MONDO:0013059, OMIM 612952.

Submission:

Labcorp Genetics (formerly Invitae), Labcorp
Classification: Uncertain significance for Aicardi-Goutieres syndrome 5. Last evaluated: 2022-08-23. Review status: criteria provided, single submitter. Criteria: Invitae Variant Classification Sherloc (09022015). Collection method: clinical testing. Allele origin: germline.
Comment: This sequence change replaces proline, which is neutral and non-polar, with leucine, which is neutral and non-polar, at codon 223 of the SAMHD1 protein (p.Pro223Leu). This variant is not present in population databases (gnomAD no frequency). This variant has not been reported in the literature in individuals affected with SAMHD1-related conditions. ClinVar contains an entry for this variant (Variation ID: 652061). Algorithms developed to predict the effect of missense changes on protein structure and function are either unavailable or do not agree on the potential impact of this missense change (SIFT: "Deleterious"; PolyPhen-2: "Possibly Damaging"; Align-GVGD: "Class C0"). In summary, the available evidence is currently insufficient to determine the role of this variant in disease. Therefore, it has been classified as a Variant of Uncertain Significance.

NM_015474.4(SAMHD1):c.668C>T (p.Pro223Leu)

Gene: SAMHD1 (SAM and HD domain containing deoxynucleoside triphosphate triphosphohydrolase 1; minus strand). Cytogenetic location: 20q11.23.
Variant type: single nucleotide variant.
Coding change: c.668C>T on transcript NM_015474.4 (MANE Select); coding-DNA position 668, C replaced by T.
Protein change: p.Pro223Leu; replaces proline 223 with leucine.
Molecular consequence: missense variant.
Genome position (GRCh38, 1-based): chr20:36,927,210, G>A on the plus strand (C>T on the coding strand, the complement: SAMHD1 is on the minus strand). VCF-style: chr20-36927210-G-A. GRCh37 (hg19) VCF-style: chr20-35555613-G-A.
Other names: c.668C>T, p.Pro223Leu (NM_001363729.2, NM_001363733.2); short protein forms P223L.
Identifiers: ClinVar variation 652061 (VCV000652061.4), dbSNP rs1601138159, ClinGen allele CA408821541.